The following is an entry in ClinVar:

ClinVar aggregate classification (germline): Uncertain significance (1 of 4 stars; one submission).

Conditions:
Fanconi anemia (FA). Also called: Fanconi's anemia. Identifiers: Orphanet 84, MedGen C0015625, MeSH D005199, MONDO:0019391.

Submission:

Labcorp Genetics (formerly Invitae), Labcorp
Classification: Uncertain significance for Fanconi anemia. Last evaluated: 2025-07-09. Review status: criteria provided, single submitter. Criteria: Invitae Variant Classification Sherloc (09022015). Collection method: clinical testing. Allele origin: germline.
Comment: This variant occurs in a non-coding region of the FANCC gene. It does not change the encoded amino acid sequence of the FANCC protein. It affects a nucleotide within the consensus splice site. This variant is not present in population databases (gnomAD no frequency). This variant has not been reported in the literature in individuals affected with FANCC-related conditions. Variants that disrupt the consensus splice site are a relatively common cause of aberrant splicing (PMID: 17576681, 9536098). Algorithms developed to predict the effect of sequence changes on RNA splicing suggest that this variant may disrupt the consensus splice site. In summary, the available evidence is currently insufficient to determine the role of this variant in disease. Therefore, it has been classified as a Variant of Uncertain Significance.

Literature cited by the submitters: PubMed 17576681; PubMed 9536098.

NM_000136.3(FANCC):c.-79+3A>T

Gene: FANCC (FA complementation group C; minus strand). Cytogenetic location: 9q22.32.
Variant type: single nucleotide variant.
Coding change: c.-79+3A>T on transcript NM_000136.3 (MANE Select); 3 bases into the intron after 79 bases upstream of the start codon, A replaced by T.
Molecular consequence: intron variant.
Genome position (GRCh38, 1-based): chr9:95,317,523, T>A on the plus strand (A>T on the coding strand, the complement: FANCC is on the minus strand). VCF-style: chr9-95317523-T-A. GRCh37 (hg19) VCF-style: chr9-98079805-T-A.
Other names: c.-79+3A>T (NM_001243744.2).
Identifiers: ClinVar variation 4751628 (VCV004751628.1).